The following is an entry in ClinVar:

NM_001135629.3(PPP1R21):c.937C>T (p.Pro313Ser)

Gene: PPP1R21 (protein phosphatase 1 regulatory subunit 21; plus strand). Cytogenetic location: 2p16.3.
Variant type: single nucleotide variant.
Coding change: c.937C>T on transcript NM_001135629.3 (MANE Select); coding-DNA position 937, C replaced by T.
Protein change: p.Pro313Ser; replaces proline 313 with serine.
Molecular consequence: missense variant. On other transcripts: non-coding transcript variant (1).
Genome position (GRCh38, 1-based): chr2:48,471,126, C>T. VCF-style: chr2-48471126-C-T. GRCh37 (hg19) VCF-style: chr2-48698265-C-T.
Other names: c.937C>T, p.Pro313Ser (NM_001193475.2, NM_152994.5); short protein forms P313S.
Identifiers: ClinVar variation 2223548 (VCV002223548.2), dbSNP rs2528902780, ClinGen allele CA346754286.

ClinVar aggregate classification (germline): Uncertain significance (1 of 4 stars; one submission).

Conditions:
Inborn genetic diseases. Identifiers: MedGen C0950123, MeSH D030342.

Submission:

Ambry Genetics
Classification: Uncertain significance for Inborn genetic diseases. Last evaluated: 2021-02-22. Review status: criteria provided, single submitter. Criteria: Ambry Variant Classification Scheme 2023. Collection method: clinical testing. Allele origin: germline.
Comment: The c.937C>T (p.P313S) alteration is located in exon 10 (coding exon 10) of the PPP1R21 gene. This alteration results from a C to T substitution at nucleotide position 937, causing the proline (P) at amino acid position 313 to be replaced by a serine (S). The in silico prediction for the p.P313S alteration is inconclusive. Based on insufficient or conflicting evidence, the clinical significance of this alteration remains unclear.